The following is an entry in ClinVar:

ClinVar aggregate classification (germline): Pathogenic (1 of 4 stars; one submission).

Conditions:
Familial cancer of breast. Also called: Hereditary breast cancer; hereditary breast carcinoma; BREAST CANCER, FAMILIAL. Identifiers: Orphanet 227535, MedGen C0346153, MONDO:0016419, OMIM 114480. Disease mechanism: loss of function.
Fanconi anemia complementation group J. Also called: BRIP1-Related Fanconi Anemia. Identifiers: Orphanet 84, MedGen C1836860, MONDO:0012187, OMIM 609054.

Submission:

Labcorp Genetics (formerly Invitae), Labcorp
Classification: Pathogenic for Familial cancer of breast; Fanconi anemia complementation group J. Last evaluated: 2021-07-14. Review status: criteria provided, single submitter. Criteria: Invitae Variant Classification Sherloc (09022015). Collection method: clinical testing. Allele origin: germline.
Comment: This sequence change creates a premature translational stop signal (p.Ala60Valfs*8) in the BRIP1 gene. It is expected to result in an absent or disrupted protein product. This variant is not present in population databases (ExAC no frequency). This variant has not been reported in the literature in individuals with BRIP1-related conditions. ClinVar contains an entry for this variant (Variation ID:¬†407793). Loss-of-function variants in BRIP1 are known to be pathogenic (PMID: 16116423, 17033622, 21964575). For these reasons, this variant has been classified as Pathogenic.

Literature cited by the submitters: PubMed 16116423; PubMed 17033622; PubMed 21964575.

NM_032043.3(BRIP1):c.94-7_178dup

Gene: BRIP1 (BRCA1 interacting DNA helicase 1; minus strand). Cytogenetic location: 17q23.2.
Variant type: Duplication.
Coding change: c.94-7_178dup on transcript NM_032043.3 (MANE Select); 7 bases into the intron before coding-DNA position 94 through coding-DNA position 178, 92 bases duplicated.
Molecular consequence: splice acceptor variant.
Genome position (GRCh38, 1-based): chr17:61,859,823-61,859,914, 92 bases duplicated. GRCh37 (hg19): chr17:59,937,186-59,937,277.
Identifiers: ClinVar variation 407793 (VCV000407793.6), dbSNP rs1555618396, ClinGen allele CA16615844.